The following is an entry in ClinVar:

NM_004260.4(RECQL4):c.2521G>T (p.Ala841Ser)

Gene: RECQL4 (RecQ like helicase 4; minus strand). Cytogenetic location: 8q24.3.
Variant type: single nucleotide variant.
Coding change: c.2521G>T on transcript NM_004260.4 (MANE Select); coding-DNA position 2521, G replaced by T.
Protein change: p.Ala841Ser; replaces alanine 841 with serine.
Molecular consequence: missense variant.
Genome position (GRCh38, 1-based): chr8:144,513,081, C>A on the plus strand (G>T on the coding strand, the complement: RECQL4 is on the minus strand). VCF-style: chr8-144513081-C-A. GRCh37 (hg19) VCF-style: chr8-145738464-C-A.
Other names: c.2227G>T, p.Ala743Ser (NM_001413017.1); c.2323G>T, p.Ala775Ser (NM_001413018.1); c.2521G>T, p.Ala841Ser (NM_001413019.1, NM_001413036.1); c.2425G>T, p.Ala809Ser (NM_001413020.1); c.1450G>T, p.Ala484Ser (NM_001413021.1, NM_001413022.1, NM_001413023.1 and 5 more transcripts); c.2392G>T, p.Ala798Ser (NM_001413025.1); c.1384G>T, p.Ala462Ser (NM_001413027.1, NM_001413041.1, NM_001413030.1 and 1 more transcripts); c.2491G>T, p.Ala831Ser (NM_001413039.1); and 7 more; short protein forms A798S, A831S, A841S, A352S, A418S, A724S, A743S, A775S.
Identifiers: ClinVar variation 1978221 (VCV001978221.5), dbSNP rs1827559355, ClinGen allele CA372677199.

ClinVar aggregate classification (germline): Uncertain significance. Review status: criteria provided, multiple submitters, no conflicts (2 of 4 stars). 2 submissions from 2 submitters: Uncertain significance (2). Last evaluated 2025-01-20.

Conditions:
Baller-Gerold syndrome (BGS). Also called: CRANIOSYNOSTOSIS WITH RADIAL DEFECTS. Identifiers: Orphanet 1225, MedGen C0265308, MONDO:0009039, OMIM 218600.
Inborn genetic diseases. Identifiers: MedGen C0950123, MeSH D030342.

gnomAD v4.1: 1 of 1,576,630 alleles (0.000063%); highest among the groups gnomAD compares: South Asian, 0.0012%; no homozygotes.

Submissions (2):

Ambry Genetics
Classification: Uncertain significance for Inborn genetic diseases. Last evaluated: 2025-01-20. Review status: criteria provided, single submitter. Criteria: Ambry Variant Classification Scheme 2023. Collection method: clinical testing. Allele origin: germline.
Comment: The p.A841S variant (also known as c.2521G>T), located in coding exon 15 of the RECQL4 gene, results from a G to T substitution at nucleotide position 2521. The alanine at codon 841 is replaced by serine, an amino acid with similar properties. This amino acid position is conserved. Based on the available evidence, the clinical significance of this variant remains unclear.

Labcorp Genetics (formerly Invitae), Labcorp
Classification: Uncertain significance for Baller-Gerold syndrome. Last evaluated: 2022-01-26. Review status: criteria provided, single submitter. Criteria: Invitae Variant Classification Sherloc (09022015). Collection method: clinical testing. Allele origin: germline.
Comment: In summary, the available evidence is currently insufficient to determine the role of this variant in disease. Therefore, it has been classified as a Variant of Uncertain Significance. Experimental studies and prediction algorithms are not available or were not evaluated, and the functional significance of this variant is currently unknown. This variant has not been reported in the literature in individuals affected with RECQL4-related conditions. This variant is not present in population databases (gnomAD no frequency). This sequence change replaces alanine, which is neutral and non-polar, with serine, which is neutral and polar, at codon 841 of the RECQL4 protein (p.Ala841Ser).